The following is an entry in ClinVar:

ClinVar aggregate classification (germline): Benign. Review status: criteria provided, multiple submitters, no conflicts (2 of 4 stars). 4 submissions from 4 submitters: Benign (4). Last evaluated 2026-02-01.

Allele frequency attached by ClinVar (database versions not stated): gnomAD 0.00928 and 0.01028; gnomAD exomes 0.01258 and 0.01366; TOPMed 0.00787; ESP Exome Variant Server 0.01000; ExAC 0.01395; 1000 Genomes Project 30x 0.00984; 1000 Genomes Project 0.01118.
gnomAD v4.1: 19,998 of 1,614,158 alleles (1.2%); highest among the groups gnomAD compares: South Asian, 3.4%; 217 homozygotes.

Submissions (4):

Labcorp Genetics (formerly Invitae), Labcorp
Classification: Benign. Last evaluated: 2026-02-01. Review status: criteria provided, single submitter. Criteria: Invitae Variant Classification Sherloc (09022015). Collection method: clinical testing. Allele origin: germline.

Women's Health and Genetics/Laboratory Corporation of America, LabCorp
Classification: Benign. Last evaluated: 2026-01-23. Review status: criteria provided, single submitter. Criteria: LabCorp Variant Classification Summary - May 2015. Collection method: clinical testing. Allele origin: germline.

Mayo Clinic Laboratories, Mayo Clinic
Classification: Benign. Last evaluated: 2023-04-14. Review status: criteria provided, single submitter. Criteria: ACMG Guidelines, 2015. Collection method: clinical testing. Allele origin: germline. Observed: 15 variant alleles.
Comment: BS2, BP4, BP7

Breakthrough Genomics
Classification: Benign. Review status: criteria provided, single submitter. Criteria: ACMG Guidelines, 2015. Collection method: not provided. Allele origin: germline. Inheritance: Autosomal recessive inheritance. Affected: yes.

NM_001557.4(CXCR2):c.936C>T (p.Leu312=)

Gene: CXCR2 (C-X-C motif chemokine receptor 2; plus strand). Cytogenetic location: 2q35.
Variant type: single nucleotide variant.
Coding change: c.936C>T on transcript NM_001557.4 (MANE Select); coding-DNA position 936, C replaced by T.
Protein change: p.Leu312=; no amino-acid change (leucine 312 retained).
Molecular consequence: synonymous variant.
Genome position (GRCh38, 1-based): chr2:218,135,737, C>T. VCF-style: chr2-218135737-C-T. GRCh37 (hg19) VCF-style: chr2-219000460-C-T.
Other names: p.Leu312=; c.936C>T, p.Leu312= (NM_001168298.2).
Identifiers: ClinVar variation 1164697 (VCV001164697.12), dbSNP rs45606837, ClinGen allele CA2101815.